The following is an entry in ClinVar:

ClinVar aggregate classification (germline): Uncertain significance (1 of 4 stars; one submission).

Conditions:
Hereditary cancer-predisposing syndrome. Also called: Neoplastic Syndromes, Hereditary; Tumor predisposition; Hereditary neoplastic syndrome; Hereditary Cancer Syndrome. Identifiers: Orphanet 140162, MedGen C0027672, MeSH D009386, MONDO:0015356.

Submission:

Ambry Genetics
Classification: Uncertain significance for Hereditary cancer-predisposing syndrome. Last evaluated: 2017-12-13. Review status: criteria provided, single submitter. Criteria: Ambry Variant Classification Scheme 2023. Collection method: clinical testing. Allele origin: germline.
Comment: The p.H17L variant (also known as c.50A>T), located in coding exon 2 of the SDHC gene, results from an A to T substitution at nucleotide position 50. The histidine at codon 17 is replaced by leucine, an amino acid with similar properties. This nucleotide position is well conserved in available vertebrate species. This amino acid position is well conserved in available vertebrate species. In addition, the in silico prediction for this alteration is inconclusive. Since supporting evidence is limited at this time, the clinical significance of this alteration remains unclear.

NM_003001.5(SDHC):c.50A>T (p.His17Leu)

Gene: SDHC (succinate dehydrogenase complex subunit C; plus strand). Cytogenetic location: 1q23.3.
Variant type: single nucleotide variant.
Coding change: c.50A>T on transcript NM_003001.5 (MANE Select); coding-DNA position 50, A replaced by T.
Protein change: p.His17Leu; replaces histidine 17 with leucine.
Molecular consequence: missense variant. On other transcripts: 5 prime UTR variant (2), non-coding transcript variant (1), intron variant (4).
Genome position (GRCh38, 1-based): chr1:161,323,643, A>T. VCF-style: chr1-161323643-A-T. GRCh37 (hg19) VCF-style: chr1-161293433-A-T.
Other names: c.50A>T, p.His17Leu (NM_001035511.3, NM_001035512.3, NM_001278172.3 and 2 more transcripts); c.-62A>T (NM_001407119.1); c.-180A>T (NM_001407120.1); c.21-4753A>T (NM_001407116.1, NM_001407121.1, NM_001407117.1); c.20+9218A>T (NM_001035513.3); short protein forms H17L.
Identifiers: ClinVar variation 825438 (VCV000825438.5), dbSNP rs1571843720, ClinGen allele CA343359471.